The following is an entry in ClinVar:

ClinVar aggregate classification (germline): Uncertain significance (1 of 4 stars; one submission).

Conditions:
Malignant hyperthermia, susceptibility to, 1 (MHS1). Also called: RYR1-Related Malignant Hyperthermia Susceptibility; Malignant hyperthermia suceptibility 1; Anesthesia related hyperthermia; Malignant hyperpyrexia; Fulminating hyperpyrexia; Pharmacogenic myopathy. Identifiers: Orphanet 423, MedGen C2930980, MONDO:0007783, OMIM 145600.

gnomAD v4.1: 7 of 1,613,110 alleles (0.00043%); highest among the groups gnomAD compares: South Asian, 0.0066%; no homozygotes.

Submission:

Color Diagnostics, LLC DBA Color Health
Classification: Uncertain significance for Malignant hyperthermia, susceptibility to, 1. Last evaluated: 2025-07-17. Review status: criteria provided, single submitter. Criteria: ACMG Guidelines, 2015. Collection method: clinical testing. Allele origin: germline.
Comment: This missense variant replaces serine with cysteine at codon 2581 of the RYR1 protein. Computational prediction suggests that this variant may have deleterious impact on protein structure and function. To our knowledge, functional studies have not been reported for this variant. This variant has not been reported in individuals affected with RYR1-related disorders in the literature. This variant has been identified in 2/250516 chromosomes in the general population by the Genome Aggregation Database (gnomAD). The available evidence is insufficient to determine the role of this variant in disease conclusively. Therefore, this variant is classified as a Variant of Uncertain Significance.

NM_000540.3(RYR1):c.7742C>G (p.Ser2581Cys)

Gene: RYR1 (ryanodine receptor 1; plus strand). Cytogenetic location: 19q13.2.
Variant type: single nucleotide variant.
Coding change: c.7742C>G on transcript NM_000540.3 (MANE Select); coding-DNA position 7742, C replaced by G.
Protein change: p.Ser2581Cys; replaces serine 2581 with cysteine.
Molecular consequence: missense variant.
Genome position (GRCh38, 1-based): chr19:38,502,634, C>G. VCF-style: chr19-38502634-C-G. GRCh37 (hg19) VCF-style: chr19-38993274-C-G.
Other names: c.7742C>G, p.Ser2581Cys (NM_001042723.2); short protein forms S2581C.
Identifiers: ClinVar variation 4757760 (VCV004757760.1).